The following is an entry in ClinVar:

NM_001197104.2(KMT2A):c.3889C>T (p.Gln1297Ter)

Gene: KMT2A (lysine methyltransferase 2A; plus strand). Cytogenetic location: 11q23.3.
Variant type: single nucleotide variant.
Coding change: c.3889C>T on transcript NM_001197104.2 (MANE Select); coding-DNA position 3889, C replaced by T.
Protein change: p.Gln1297Ter; replaces glutamine 1297 with a stop codon.
Molecular consequence: nonsense.
Genome position (GRCh38, 1-based): chr11:118,481,969, C>T. VCF-style: chr11-118481969-C-T. GRCh37 (hg19) VCF-style: chr11-118352684-C-T.
Other names: c.3988C>T, p.Gln1330Ter (NM_001412597.1); c.3889C>T, p.Gln1297Ter (NM_005933.4); short protein forms Q1297*, Q1330*.
Identifiers: ClinVar variation 2230284 (VCV002230284.2), dbSNP rs2134300916, ClinGen allele CA382828223.

ClinVar aggregate classification (germline): Pathogenic (1 of 4 stars; one submission).

Conditions:
Inborn genetic diseases. Identifiers: MedGen C0950123, MeSH D030342.

Submission:

Ambry Genetics
Classification: Pathogenic for Inborn genetic diseases. Last evaluated: 2021-04-26. Review status: criteria provided, single submitter. Criteria: Ambry Variant Classification Scheme 2023. Collection method: clinical testing. Allele origin: germline.
Comment: The c.3889C>T (p.Q1297*) alteration, located in exon 7 (coding exon 7) of the KMT2A gene, consists of a C to T substitution at nucleotide position 3889. This changes the amino acid from a glutamine (Q) to a stop codon at amino acid position 1297. This alteration is expected to result in loss of function by premature protein truncation or nonsense-mediated mRNA decay. Based on data from the Genome Aggregation Database (gnomAD), the KMT2A c.3889C>T alteration was not observed, with coverage at this position. Based on the available evidence, this alteration is classified as pathogenic.